The following is an entry in ClinVar:

ClinVar aggregate classification (germline): Likely benign (1 of 4 stars; one submission).

Submission:

CeGaT Center for Human Genetics Tuebingen
Classification: Likely benign. Last evaluated: 2025-09-01. Review status: criteria provided, single submitter. Criteria: CeGaT Center For Human Genetics Tuebingen Variant Classification Criteria Version 2. Collection method: clinical testing. Allele origin: germline. Affected: yes. Observed: 1 variant allele.
Comment: DSP: PM2:Supporting, BP4, BP7

NM_004415.4(DSP):c.5232T>C (p.Asp1744=)

Gene: DSP (desmoplakin; plus strand). Cytogenetic location: 6p24.3.
Variant type: single nucleotide variant.
Coding change: c.5232T>C on transcript NM_004415.4 (MANE Select); coding-DNA position 5232, T replaced by C.
Protein change: p.Asp1744=; no amino-acid change (aspartic acid 1744 retained).
Molecular consequence: synonymous variant. On other transcripts: intron variant (2).
Genome position (GRCh38, 1-based): chr6:7,581,422, T>C. VCF-style: chr6-7581422-T-C. GRCh37 (hg19) VCF-style: chr6-7581655-T-C.
Other names: c.4050+1182T>C (NM_001319034.2); c.3583-1220T>C (NM_001008844.3).
Identifiers: ClinVar variation 4085965 (VCV004085965.8).